The following is an entry in ClinVar:

ClinVar aggregate classification (germline): Uncertain significance (1 of 4 stars; one submission).

gnomAD v4.1: 64 of 1,537,566 alleles (0.0042%); highest among the groups gnomAD compares: Middle Eastern, 0.051%; no homozygotes.

Submission:

Labcorp Genetics (formerly Invitae), Labcorp
Classification: Uncertain significance. Last evaluated: 2025-12-22. Review status: criteria provided, single submitter. Criteria: Invitae Variant Classification Sherloc (09022015). Collection method: clinical testing. Allele origin: germline.
Comment: This sequence change replaces glycine, which is neutral and non-polar, with arginine, which is basic and polar, at codon 1519 of the TET2 protein (p.Gly1519Arg). This variant is present in population databases (rs753711986, gnomAD 0.04%). This variant has not been reported in the literature in individuals affected with TET2-related conditions. ClinVar contains an entry for this variant (Variation ID: 3714180). An algorithm developed to predict the effect of missense changes on protein structure and function (PolyPhen-2) suggests that this variant is likely to be disruptive. In summary, the available evidence is currently insufficient to determine the role of this variant in disease. Therefore, it has been classified as a Variant of Uncertain Significance.

NM_001127208.3(TET2):c.4555G>A (p.Gly1519Arg)

Genes: TET2 (tet methylcytosine dioxygenase 2; plus strand), TET2-AS1 (TET2 antisense RNA 1; minus strand). Cytogenetic location: 4q24.
Variant type: single nucleotide variant.
Coding change: c.4555G>A on transcript NM_001127208.3 (MANE Select); coding-DNA position 4555, G replaced by A.
Protein change: p.Gly1519Arg; replaces glycine 1519 with arginine.
Molecular consequence: missense variant.
Genome position (GRCh38, 1-based): chr4:105,275,065, G>A. VCF-style: chr4-105275065-G-A. GRCh37 (hg19) VCF-style: chr4-106196222-G-A.
Other names: short protein forms G1519R.
Identifiers: ClinVar variation 3714180 (VCV003714180.2).